The following is an entry in ClinVar:

NM_000361.3(THBD):c.77G>C (p.Gly26Ala)

Gene: THBD (thrombomodulin; minus strand). Cytogenetic location: 20p11.21.
Variant type: single nucleotide variant.
Coding change: c.77G>C on transcript NM_000361.3 (MANE Select); coding-DNA position 77, G replaced by C.
Protein change: p.Gly26Ala; replaces glycine 26 with alanine.
Molecular consequence: missense variant.
Genome position (GRCh38, 1-based): chr20:23,049,428, C>G on the plus strand (G>C on the coding strand, the complement: THBD is on the minus strand). VCF-style: chr20-23049428-C-G. GRCh37 (hg19) VCF-style: chr20-23030065-C-G.
Other names: c.77G>C (NM_000361.2); short protein forms G26A.
Identifiers: ClinVar variation 1012154 (VCV001012154.12), dbSNP rs757422951, ClinGen allele CA9787801.

ClinVar aggregate classification (germline): Conflicting classifications of pathogenicity. Review status: criteria provided, conflicting classifications (1 of 4 stars). 3 submissions from 3 submitters: Uncertain significance (2); Likely benign (1). Last evaluated 2025-12-08.

Conditions:
Thrombomodulin-related bleeding disorder (THPH12). Also called: Thrombophilia due to thrombomodulin defect. Identifiers: Orphanet 436169, MedGen C3280976, MONDO:0013775, OMIM 614486.
Atypical hemolytic-uremic syndrome with thrombomodulin anomaly. Also called: HEMOLYTIC UREMIC SYNDROME, ATYPICAL, SUSCEPTIBILITY TO, 6; AHUS, SUSCEPTIBILITY TO, 6. Identifiers: MedGen C2752036, MONDO:0013044, OMIM 612926. Disease mechanism: gain of function.
Inborn genetic diseases. Identifiers: MedGen C0950123, MeSH D030342.

Allele frequency attached by ClinVar (database versions not stated): gnomAD 0.00001 and 0.00003; TOPMed 0.00002; ExAC 0.00008; 1000 Genomes Project 30x 0.00031.

Submissions (3):

Labcorp Genetics (formerly Invitae), Labcorp
Classification: Uncertain significance. Last evaluated: 2025-12-08. Review status: criteria provided, single submitter. Criteria: Invitae Variant Classification Sherloc (09022015). Collection method: clinical testing. Allele origin: germline.
Comment: This sequence change replaces glycine, which is neutral and non-polar, with alanine, which is neutral and non-polar, at codon 26 of the THBD protein (p.Gly26Ala). This variant is present in population databases (rs757422951, gnomAD 0.04%). This variant has not been reported in the literature in individuals affected with THBD-related conditions. ClinVar contains an entry for this variant (Variation ID: 1012154). Invitae Evidence Modeling of protein sequence and biophysical properties (such as structural, functional, and spatial information, amino acid conservation, physicochemical variation, residue mobility, and thermodynamic stability) indicates that this missense variant is not expected to disrupt THBD protein function with a negative predictive value of 80%. In summary, the available evidence is currently insufficient to determine the role of this variant in disease. Therefore, it has been classified as a Variant of Uncertain Significance.

Ambry Genetics
Classification: Likely benign for Inborn genetic diseases. Last evaluated: 2024-09-06. Review status: criteria provided, single submitter. Criteria: Ambry Variant Classification Scheme 2023. Collection method: clinical testing. Allele origin: germline.

Fulgent Genetics
Classification: Uncertain significance for Atypical hemolytic-uremic syndrome with thrombomodulin anomaly; Thrombomodulin-related bleeding disorder. Last evaluated: 2021-12-28. Review status: criteria provided, single submitter. Criteria: ACMG Guidelines, 2015. Collection method: clinical testing. Allele origin: unknown.